The following is an entry in ClinVar:

ClinVar aggregate classification (germline): Likely benign. Review status: criteria provided, multiple submitters, no conflicts (2 of 4 stars). 2 submissions from 2 submitters: Likely benign (2). Last evaluated 2026-02-06.

Conditions:
CDKN2B-related condition.

Allele frequency attached by ClinVar (database versions not stated): ExAC 0.00001; gnomAD 0.00001 and 0.00003; gnomAD exomes 0.00001 and 0.00002; TOPMed 0.00002; 1000 Genomes Project 0.00020; 1000 Genomes Project 30x 0.00031.
gnomAD v4.1: 28 of 1,607,692 alleles (0.0017%); highest among the groups gnomAD compares: East Asian, 0.0089%; no homozygotes.

Submissions (2):

PreventionGenetics, part of Exact Sciences
Classification: Likely benign for CDKN2B-related condition. Last evaluated: 2026-02-06. Review status: criteria provided, single submitter. Criteria: ACMG Guidelines, 2015. Collection method: clinical testing. Allele origin: germline.
Comment: This variant is classified as likely benign based on ACMG/AMP sequence variant interpretation guidelines (Richards et al. 2015 PMID: 25741868, with internal and published modifications).

Center for Genomic Medicine, Rigshospitalet, Copenhagen University Hospital
Classification: Likely benign. Last evaluated: 2025-03-04. Review status: criteria provided, single submitter. Criteria: ACMG Guidelines, 2015. Collection method: clinical testing. Allele origin: germline.

NM_004936.4(CDKN2B):c.156+18G>T

Genes: CDKN2B (cyclin dependent kinase inhibitor 2B; minus strand), CDKN2B-AS1 (CDKN2B and CDKN2A antisense cis and trans regulatory RNA 1; plus strand), LOC130001608 (ATAC-STARR-seq lymphoblastoid silent region 19815; plus strand). Cytogenetic location: 9p21.3.
Variant type: single nucleotide variant.
Coding change: c.156+18G>T on transcript NM_004936.4 (MANE Select); 18 bases into the intron after coding-DNA position 156, G replaced by T.
Molecular consequence: intron variant. On other transcripts: synonymous variant (1).
Genome position (GRCh38, 1-based): chr9:22,008,780, C>A on the plus strand (G>T on the coding strand, the complement: CDKN2B is on the minus strand). VCF-style: chr9-22008780-C-A. GRCh37 (hg19) VCF-style: chr9-22008779-C-A.
Other names: c.174G>T, p.Gly58= (NM_078487.2).
Identifiers: ClinVar variation 1697454 (VCV001697454.8), dbSNP rs372340557, ClinGen allele CA5012566.
Genomic context (GRCh38, chr9:22,008,780, plus strand): 5'-GGTTCCAGCCCCGATCCGCCGAGGCCGCGCCCCGCGTTCGCGCGCCCCCTGCCGGCGAGG[C>A]CCTGGGGCCCCAGCTACCTGGATCGCGCGCCTCCCGAAACGGTTGACTCCGTTGGGATCC-3'